The following is an entry in ClinVar:

NM_003070.5(SMARCA2):c.2476C>G (p.Leu826Val)

Gene: SMARCA2 (SWI/SNF related BAF chromatin remodeling complex subunit ATPase 2; plus strand). Cytogenetic location: 9p24.3.
Variant type: single nucleotide variant.
Coding change: c.2476C>G on transcript NM_003070.5 (MANE Select); coding-DNA position 2476, C replaced by G.
Protein change: p.Leu826Val; replaces leucine 826 with valine.
Molecular consequence: missense variant.
Genome position (GRCh38, 1-based): chr9:2,084,146, C>G. VCF-style: chr9-2084146-C-G. GRCh37 (hg19) VCF-style: chr9-2084146-C-G.
Other names: c.2476C>G, p.Leu826Val (NM_001289396.2, NM_001289397.2, NM_139045.4); short protein forms L826V.
Identifiers: ClinVar variation 2106165 (VCV002106165.4), dbSNP rs1214524871, ClinGen allele CA372784655.

ClinVar aggregate classification (germline): Uncertain significance (1 of 4 stars; one submission).

Submission:

Labcorp Genetics (formerly Invitae), Labcorp
Classification: Uncertain significance. Last evaluated: 2024-12-09. Review status: criteria provided, single submitter. Criteria: Invitae Variant Classification Sherloc (09022015). Collection method: clinical testing. Allele origin: germline.
Comment: This sequence change replaces leucine, which is neutral and non-polar, with valine, which is neutral and non-polar, at codon 826 of the SMARCA2 protein (p.Leu826Val). This variant is not present in population databases (gnomAD no frequency). This variant has not been reported in the literature in individuals affected with SMARCA2-related conditions. ClinVar contains an entry for this variant (Variation ID: 2106165). Invitae Evidence Modeling of protein sequence and biophysical properties (such as structural, functional, and spatial information, amino acid conservation, physicochemical variation, residue mobility, and thermodynamic stability) indicates that this missense variant is not expected to disrupt SMARCA2 protein function with a negative predictive value of 80%. In summary, the available evidence is currently insufficient to determine the role of this variant in disease. Therefore, it has been classified as a Variant of Uncertain Significance.